The following is an entry in ClinVar:

NM_152305.3(POGLUT1):c.797+48G>C

Gene: POGLUT1 (protein O-glucosyltransferase 1; plus strand). Cytogenetic location: 3q13.33.
Variant type: single nucleotide variant.
Coding change: c.797+48G>C on transcript NM_152305.3 (MANE Select); 48 bases into the intron after coding-DNA position 797, G replaced by C.
Molecular consequence: intron variant.
Genome position (GRCh38, 1-based): chr3:119,489,035, G>C. VCF-style: chr3-119489035-G-C. GRCh37 (hg19) VCF-style: chr3-119207882-G-C.
Identifiers: ClinVar variation 1693058 (VCV001693058.2), dbSNP rs200709160, ClinGen allele CA2554976.

ClinVar aggregate classification (germline): Likely benign (1 of 4 stars; one submission).

Allele frequency attached by ClinVar (database versions not stated): gnomAD exomes 0.00019 and 0.00042; ExAC 0.00054; ESP Exome Variant Server 0.00161; gnomAD 0.00162 and 0.00170; TOPMed 0.00178; 1000 Genomes Project 0.00220; 1000 Genomes Project 30x 0.00234.
gnomAD v4.1: 416 of 1,062,534 alleles (0.039%); highest among the groups gnomAD compares: African/African-American, 0.59%; 1 homozygote.

Submission:

GeneDx
Classification: Likely benign. Last evaluated: 2021-10-27. Review status: criteria provided, single submitter. Criteria: GeneDx Variant Classification Process June 2021. Collection method: clinical testing. Allele origin: germline. Affected: yes.
Comment: See Variant Classification Assertion Criteria.